The following is an entry in ClinVar:

NM_001558.4(IL10RA):c.493C>T (p.Arg165Ter)

Gene: IL10RA (interleukin 10 receptor subunit alpha; plus strand). Cytogenetic location: 11q23.3.
Variant type: single nucleotide variant.
Coding change: c.493C>T on transcript NM_001558.4 (MANE Select); coding-DNA position 493, C replaced by T.
Protein change: p.Arg165Ter; replaces arginine 165 with a stop codon.
Molecular consequence: nonsense. On other transcripts: non-coding transcript variant (1).
Genome position (GRCh38, 1-based): chr11:117,993,366, C>T. VCF-style: chr11-117993366-C-T. GRCh37 (hg19) VCF-style: chr11-117864081-C-T.
Other names: short protein forms R165*.
Identifiers: ClinVar variation 3341480 (VCV003341480.3).

ClinVar aggregate classification (germline): Pathogenic/Likely pathogenic. Review status: criteria provided, multiple submitters, no conflicts (2 of 4 stars). 3 submissions from 3 submitters: Pathogenic (2); Likely pathogenic (1). Last evaluated 2025-08-19.

Conditions:
Inflammatory bowel disease 28. Also called: Inflammatory bowel disease 28, early onset, autosomal recessive. Identifiers: Orphanet 238569, MedGen C2751053, MONDO:0013153, OMIM 613148.

gnomAD v4.1: 6 of 1,614,066 alleles (0.00037%); highest among the groups gnomAD compares: East Asian, 0.0022%; no homozygotes.

Submissions (3):

Variantyx, Inc.
Classification: Pathogenic for Inflammatory bowel disease 28. Last evaluated: 2025-08-19. Review status: criteria provided, single submitter. Criteria: Variantyx Assertion Criteria 2022. Collection method: clinical testing. Allele origin: germline. Inheritance: Autosomal recessive inheritance. Affected: no.
Comment: This is a nonsense variant in the IL10RA gene (OMIM: 146933). Pathogenic variants in this gene have been associated with autosomal recessive early onset inflammatory bowel disease 28. This variant introduces a premature termination codon in exon 4 out of 7 and is expected to result in loss of function, which is a known disease mechanism for IL10RA in this disorder (PMID: 28267044) (PVS1). This variant has been identified in the homozygous or compound heterozygous state in at least 6 individuals reported in the published literature (PMID: 28267044, 30212871, 31931724, 38721857) (PM3). This variant has a 0.0022% maximum allele frequency in non-founder control populations (PM2). Based on the current evidence, this variant is classified as pathogenic for autosomal recessive early onset inflammatory bowel disease 28.

Labcorp Genetics (formerly Invitae), Labcorp
Classification: Pathogenic for Inflammatory bowel disease 28. Last evaluated: 2025-07-23. Review status: criteria provided, single submitter. Criteria: Invitae Variant Classification Sherloc (09022015). Collection method: clinical testing. Allele origin: germline.
Comment: This sequence change creates a premature translational stop signal (p.Arg165*) in the IL10RA gene. It is expected to result in an absent or disrupted protein product. Loss-of-function variants in IL10RA are known to be pathogenic (PMID: 24216686, 25373860, 26822028). This variant is present in population databases (no rsID available, gnomAD 0.06%). This premature translational stop signal has been observed in individual(s) with very early onset inflammatory bowel disease (PMID: 28267044, 29140941). ClinVar contains an entry for this variant (Variation ID: 3341480). Algorithms developed to predict the effect of sequence changes on RNA splicing suggest that this variant may disrupt the consensus splice site. For these reasons, this variant has been classified as Pathogenic.

Neuberg Centre For Genomic Medicine, NCGM
Classification: Likely pathogenic for Inflammatory bowel disease 28. Last evaluated: 2023-05-20. Review status: criteria provided, single submitter. Criteria: ACMG Guidelines, 2015. Collection method: clinical testing. Allele origin: germline. Inheritance: Autosomal recessive inheritance. Affected: yes.
Comment: The stop gained c.493C>T (p.Arg165Ter) variant in the JAG1 gene has been observed in individual(s) with Inflammatory Bowel Disease (Huang, Zhiheng et al.,2017). This variant is reported with the allele frequency (0.003%) in the gnomAD Exomes. This variant is predicted to cause loss of normal protein function through protein truncation. Loss of function variants have been previously reported to be disease causing. Computational evidence (MutationTaster - Disease causing) predicts damaging effect on protein structure and function for this variant. The nucleotide change c.493C>T in IL10RA is predicted as conserved by GERP++ and PhyloP across 100 vertebrate. Functional studies are required to prove the pathogenicity of the variant. For these reasons, this variant has been classified as Likely Pathogenic.

Literature cited by the submitters: PubMed 28267044 (cited by Variantyx, Inc. and Labcorp Genetics (formerly Invitae), Labcorp); PubMed 30212871 (cited by Variantyx, Inc.); PubMed 31931724 (cited by Variantyx, Inc.); PubMed 38721857 (cited by Variantyx, Inc.); PubMed 24216686 (cited by Labcorp Genetics (formerly Invitae), Labcorp); PubMed 25373860 (cited by Labcorp Genetics (formerly Invitae), Labcorp); PubMed 26822028 (cited by Labcorp Genetics (formerly Invitae), Labcorp); PubMed 29140941 (cited by Labcorp Genetics (formerly Invitae), Labcorp).